The following is an entry in ClinVar:

ClinVar aggregate classification (germline): Uncertain significance (1 of 4 stars; one submission).

Conditions:
Inborn genetic diseases. Identifiers: MedGen C0950123, MeSH D030342.

Submission:

Ambry Genetics
Classification: Uncertain significance for Inborn genetic diseases. Last evaluated: 2026-08-23. Review status: criteria provided, single submitter. Criteria: Ambry Variant Classification Scheme 2023. Collection method: clinical testing. Allele origin: germline.
Comment: The p.L179V variant (also known as c.535C>G), located in coding exon 6 of the FANCA gene, results from a C to G substitution at nucleotide position 535. The leucine at codon 179 is replaced by valine, an amino acid with highly similar properties. This amino acid position is conserved. In addition, this alteration is predicted to be tolerated by in silico analysis. Based on the available evidence, the clinical significance of this variant remains unclear.

NM_000135.4(FANCA):c.535C>G (p.Leu179Val)

Gene: FANCA (FA complementation group A; minus strand). Cytogenetic location: 16q24.3.
Variant type: single nucleotide variant.
Coding change: c.535C>G on transcript NM_000135.4 (MANE Select); coding-DNA position 535, C replaced by G.
Protein change: p.Leu179Val; replaces leucine 179 with valine.
Molecular consequence: missense variant.
Genome position (GRCh38, 1-based): chr16:89,808,355, G>C on the plus strand (C>G on the coding strand, the complement: FANCA is on the minus strand). VCF-style: chr16-89808355-G-C. GRCh37 (hg19) VCF-style: chr16-89874763-G-C.
Other names: c.535C>G, p.Leu179Val (NM_001018112.3, NM_001286167.3); c.439C>G, p.Leu147Val (NM_001351830.2); short protein forms L179V, L147V.
Identifiers: ClinVar variation 5036431 (VCV005036431.1).
Genomic context (GRCh38, chr16:89,808,355, plus strand): 5'-TTTCCAGCAGCTCTTGCAGGCTCACAATGCCTTGTACGTGAAGATGCCACACCGCTTCAA[G>C]CAACAAAGAACTCTGAAAAACAAAACAAAACAAACAAAAACAAAAACAAAAAAACCCCCA-3'
Protein context (NP_000126.2, residues 169-189): ELWKIQSSLL[Leu179Val]EAVWHLHVQG